The following is an entry in ClinVar:

ClinVar aggregate classification (germline): Uncertain significance (1 of 4 stars; one submission).

Allele frequency attached by ClinVar (database versions not stated): ExAC 0.00001; gnomAD 0.00002; gnomAD exomes 0.00002; TOPMed 0.00005; ESP Exome Variant Server 0.00008.
gnomAD v4.1: 30 of 1,613,882 alleles (0.0019%); highest among the groups gnomAD compares: South Asian, 0.0055%; no homozygotes.

Submission:

Labcorp Genetics (formerly Invitae), Labcorp
Classification: Uncertain significance. Last evaluated: 2022-06-02. Review status: criteria provided, single submitter. Criteria: Invitae Variant Classification Sherloc (09022015). Collection method: clinical testing. Allele origin: germline.
Comment: This variant has not been reported in the literature in individuals affected with LAMB1-related conditions. This sequence change replaces arginine, which is basic and polar, with glutamine, which is neutral and polar, at codon 668 of the LAMB1 protein (p.Arg668Gln). This variant is present in population databases (rs111575662, gnomAD 0.003%). Algorithms developed to predict the effect of missense changes on protein structure and function are either unavailable or do not agree on the potential impact of this missense change (SIFT: "Deleterious"; PolyPhen-2: "Benign"; Align-GVGD: "Class C35"). In summary, the available evidence is currently insufficient to determine the role of this variant in disease. Therefore, it has been classified as a Variant of Uncertain Significance.

NM_002291.3(LAMB1):c.2003G>A (p.Arg668Gln)

Gene: LAMB1 (laminin subunit beta 1; minus strand). Cytogenetic location: 7q31.1.
Variant type: single nucleotide variant.
Coding change: c.2003G>A on transcript NM_002291.3 (MANE Select); coding-DNA position 2003, G replaced by A.
Protein change: p.Arg668Gln; replaces arginine 668 with glutamine.
Molecular consequence: missense variant.
Genome position (GRCh38, 1-based): chr7:107,961,312, C>T on the plus strand (G>A on the coding strand, the complement: LAMB1 is on the minus strand). VCF-style: chr7-107961312-C-T. GRCh37 (hg19) VCF-style: chr7-107601757-C-T.
Other names: short protein forms R668Q.
Identifiers: ClinVar variation 2166279 (VCV002166279.4), dbSNP rs111575662, ClinGen allele CA4435781.